The following is an entry in ClinVar:

ClinVar aggregate classification (germline): Uncertain significance. Review status: criteria provided, multiple submitters, no conflicts (2 of 4 stars). 6 submissions from 6 submitters: Uncertain significance (6). Last evaluated 2025-08-26.

Conditions:
Colorectal cancer, susceptibility to, 1. Also called: COLORECTAL ADENOMA AND CANCER, SUSCEPTIBILITY TO; COLORECTAL CANCER, SUSCEPTIBILITY TO, ON CHROMOSOME 9. Identifiers: MedGen C1837315, MONDO:0012132, OMIM 608812.

Allele frequency attached by ClinVar (database versions not stated): gnomAD exomes 0.00002; TOPMed 0.00002.
gnomAD v4.1: 41 of 1,614,062 alleles (0.0025%); highest among the groups gnomAD compares: Admixed American, 0.012%; no homozygotes.

Submissions (6):

Quest Diagnostics Nichols Institute San Juan Capistrano
Classification: Uncertain significance. Last evaluated: 2025-08-26. Review status: criteria provided, single submitter. Criteria: Quest Diagnostics criteria. Collection method: clinical testing. Allele origin: unknown.
Comment: The GALNT12 c.1145G>A (p.Arg382His) variant has been reported in the published literature in individuals affected with colon cancer (PMID: 19617566 (2009)) and osteosarcoma (PMID: 32191290 (2020)). A functional study has indicated that this variant has virtually no enzyme transferase activity and the tumor showed loss of the wild type allele (PMID: 19617566 (2009)), however, further research is needed. The frequency of this variant in the general population (Genome Aggregation Database) is uninformative in the assessment of its pathogenicity. Based on the available information, we are unable to determine the clinical significance of this variant.

Labcorp Genetics (formerly Invitae), Labcorp
Classification: Uncertain significance. Last evaluated: 2025-08-08. Review status: criteria provided, single submitter. Criteria: Invitae Variant Classification Sherloc (09022015). Collection method: clinical testing. Allele origin: germline.
Comment: This sequence change replaces arginine, which is basic and polar, with histidine, which is basic and polar, at codon 382 of the GALNT12 protein (p.Arg382His). This variant is present in population databases (no rsID available, gnomAD 0.007%). This missense change has been observed in individual(s) with colon cancer (PMID: 19617566). ClinVar contains an entry for this variant (Variation ID: 485662). Invitae Evidence Modeling of protein sequence and biophysical properties (such as structural, functional, and spatial information, amino acid conservation, physicochemical variation, residue mobility, and thermodynamic stability) indicates that this missense variant is expected to disrupt GALNT12 protein function with a positive predictive value of 80%. Experimental studies have shown that this missense change affects GALNT12 function (PMID: 19617566). In summary, the available evidence is currently insufficient to determine the role of this variant in disease. Therefore, it has been classified as a Variant of Uncertain Significance.

Ambry Genetics
Classification: Uncertain significance. Last evaluated: 2024-11-18. Review status: criteria provided, single submitter. Criteria: Ambry Variant Classification Scheme 2023. Collection method: clinical testing. Allele origin: germline.
Comment: The p.R382H variant (also known as c.1145G>A), located in coding exon 6 of the GALNT12 gene, results from a G to A substitution at nucleotide position 1145. The arginine at codon 382 is replaced by histidine, an amino acid with highly similar properties. This amino acid position is highly conserved in available vertebrate species. In addition, this alteration is predicted to be deleterious by in silico analysis. The evidence for this gene-disease relationship is limited; therefore, the clinical significance of this alteration is unclear.

Baylor Genetics
Classification: Uncertain significance for Colorectal cancer, susceptibility to, 1. Last evaluated: 2024-03-19. Review status: criteria provided, single submitter. Criteria: ACMG Guidelines, 2015. Collection method: clinical testing. Allele origin: unknown.

Fulgent Genetics
Classification: Uncertain significance for Colorectal cancer, susceptibility to, 1. Last evaluated: 2024-02-19. Review status: criteria provided, single submitter. Criteria: ACMG Guidelines, 2015. Collection method: clinical testing. Allele origin: germline.

Juno Genomics, Hangzhou Juno Genomics, Inc
Classification: Uncertain significance for Colorectal cancer, susceptibility to, 1. Review status: criteria provided, single submitter. Criteria: ACMG Guidelines, 2015. Collection method: clinical testing. Allele origin: germline.
Comment: Absent from controls (or at extremely low frequency if recessive) in Genome Aggregation Database.;Multiple lines of computational evidence support a deleterious effect on the gene or gene product.

Literature cited by the submitters: PubMed 19617566 (cited by 3 submitters); PubMed 32191290 (cited by Quest Diagnostics Nichols Institute San Juan Capistrano); PubMed 32755332 (cited by Quest Diagnostics Nichols Institute San Juan Capistrano); PubMed 35863823 (cited by Quest Diagnostics Nichols Institute San Juan Capistrano).

NM_024642.5(GALNT12):c.1145G>A (p.Arg382His)

Gene: GALNT12 (polypeptide N-acetylgalactosaminyltransferase 12; plus strand). Cytogenetic location: 9q22.33.
Variant type: single nucleotide variant.
Coding change: c.1145G>A on transcript NM_024642.5 (MANE Select); coding-DNA position 1145, G replaced by A.
Protein change: p.Arg382His; replaces arginine 382 with histidine.
Molecular consequence: missense variant.
Genome position (GRCh38, 1-based): chr9:98,837,081, G>A. VCF-style: chr9-98837081-G-A. GRCh37 (hg19) VCF-style: chr9-101599363-G-A.
Other names: short protein forms R382H.
Identifiers: ClinVar variation 485662 (VCV000485662.20), dbSNP rs868590153, ClinGen allele CA196827618.